The following is an entry in ClinVar:

ClinVar aggregate classification (germline): Benign/Likely benign. Review status: criteria provided, multiple submitters, no conflicts (2 of 4 stars). 9 submissions from 9 submitters: Benign (1); Likely benign (4). 4 of the submissions do not count toward it. Last evaluated 2026-06-01.

Conditions:
GALC-related disorder. Also called: GALC-related condition.
Inborn genetic diseases. Identifiers: MedGen C0950123, MeSH D030342.
Galactosylceramide beta-galactosidase deficiency. Also called: Leukodystrophy, Globoid Cell; GALACTOCEREBROSIDASE DEFICIENCY; GALC DEFICIENCY; GLOBOID CELL LEUKOENCEPHALOPATHY; Krabbe Disease. Identifiers: Orphanet 487, MedGen C0023521, MONDO:0009499, OMIM 245200.

Allele frequency attached by ClinVar (database versions not stated): ExAC 0.00037; 1000 Genomes Project 0.00060; 1000 Genomes Project 30x 0.00078; TOPMed 0.00128; gnomAD exomes 0.00142; gnomAD 0.00203 and 0.00210.
gnomAD v4.1: 3,788 of 1,535,554 alleles (0.25%); highest among the groups gnomAD compares: Non-Finnish European, 0.28%; 4 homozygotes.

Submissions (9):

CeGaT Center for Human Genetics Tuebingen
Classification: Likely benign. Last evaluated: 2026-06-01. Review status: criteria provided, single submitter. Criteria: CeGaT Center For Human Genetics Tuebingen Variant Classification Criteria Version 2. Collection method: clinical testing. Allele origin: germline. Affected: yes. Observed: 10 variant alleles.
Comment: GALC: BP4, BP7

Labcorp Genetics (formerly Invitae), Labcorp
Classification: Benign for Galactosylceramide beta-galactosidase deficiency. Last evaluated: 2025-11-17. Review status: criteria provided, single submitter. Criteria: Invitae Variant Classification Sherloc (09022015). Collection method: clinical testing. Allele origin: germline.

Blueprint Genetics
Classification: Likely benign. Last evaluated: 2024-11-25. Review status: criteria provided, single submitter. Criteria: ACMG Guidelines, 2015. Collection method: clinical testing. Allele origin: germline.

Ambry Genetics
Classification: Likely benign for Inborn genetic diseases. Last evaluated: 2022-09-26. Review status: criteria provided, single submitter. Criteria: Ambry Variant Classification Scheme 2023. Collection method: clinical testing. Allele origin: germline.

GeneDx
Classification: Likely benign. Last evaluated: 2021-04-13. Review status: criteria provided, single submitter. Criteria: GeneDx Variant Classification Process June 2021. Collection method: clinical testing. Allele origin: germline. Affected: yes.
Comment: This variant is associated with the following publications: (PMID: 26795590)

PreventionGenetics, part of Exact Sciences
Classification: Likely benign for GALC-related condition. Last evaluated: 2021-02-25. Review status: no assertion criteria provided. Collection method: clinical testing. Allele origin: germline. Not counted in ClinVar's aggregate classification.
Comment: This variant is classified as likely benign based on ACMG/AMP sequence variant interpretation guidelines (Richards et al. 2015 PMID: 25741868, with internal and published modifications).

Natera, Inc.
Classification: Benign for Galactosylceramide beta-galactosidase deficiency. Last evaluated: 2020-04-18. Review status: no assertion criteria provided. Collection method: clinical testing. Allele origin: germline. Not counted in ClinVar's aggregate classification.

Clinical Genetics DNA and cytogenetics Diagnostics Lab, Erasmus MC, Erasmus Medical Center
Classification: Likely benign. Review status: no assertion criteria provided. Collection method: clinical testing. Allele origin: germline. Affected: yes. Study: VKGL Data-share Consensus. Not counted in ClinVar's aggregate classification.

Clinical Genetics, Academic Medical Center
Classification: Likely benign. Review status: no assertion criteria provided. Collection method: clinical testing. Allele origin: germline. Affected: yes. Study: VKGL Data-share Consensus. Not counted in ClinVar's aggregate classification.

NM_000153.4(GALC):c.-318T>C

Gene: GALC (galactosylceramidase; minus strand). Cytogenetic location: 14q31.3.
Variant type: single nucleotide variant.
Coding change: c.-318T>C on transcript NM_000153.4 (MANE Select); 318 bases upstream of the start codon, T replaced by C.
Molecular consequence: genic upstream transcript variant. On other transcripts: synonymous variant (1).
Genome position (GRCh38, 1-based): chr14:87,993,482, A>G on the plus strand (T>C on the coding strand, the complement: GALC is on the minus strand). VCF-style: chr14-87993482-A-G. GRCh37 (hg19) VCF-style: chr14-88459826-A-G.
Other names: c.18T>C, p.His6= (NM_001201402.2); c.18T>C (NM_001201402.1).
Identifiers: ClinVar variation 623852 (VCV000623852.66), dbSNP rs556647825, ClinGen allele CA7297557.